The following is an entry in ClinVar:

ClinVar aggregate classification (germline): Uncertain significance (0 of 4 stars; one submission).

Conditions:
ACTB-related disorder. Also called: ACTB-related disorders; ACTB-related condition.

Submission:

PreventionGenetics, part of Exact Sciences
Classification: Uncertain significance for ACTB-related condition. Last evaluated: 2023-12-18. Review status: no assertion criteria provided. Collection method: clinical testing. Allele origin: germline.
Comment: The ACTB c.666C>G variant is predicted to result in the amino acid substitution p.Asp222Glu. To our knowledge, this variant has not been reported in the literature or in a large population database, indicating this variant is rare. At this time, the clinical significance of this variant is uncertain due to the absence of conclusive functional and genetic evidence.

NM_001101.5(ACTB):c.666C>G (p.Asp222Glu)

Gene: ACTB (actin beta; minus strand). Cytogenetic location: 7p22.1.
Variant type: single nucleotide variant.
Coding change: c.666C>G on transcript NM_001101.5 (MANE Select); coding-DNA position 666, C replaced by G.
Protein change: p.Asp222Glu; replaces aspartic acid 222 with glutamic acid.
Molecular consequence: missense variant.
Genome position (GRCh38, 1-based): chr7:5,528,417, G>C on the plus strand (C>G on the coding strand, the complement: ACTB is on the minus strand). VCF-style: chr7-5528417-G-C. GRCh37 (hg19) VCF-style: chr7-5568048-G-C.
Other names: short protein forms D222E.
Identifiers: ClinVar variation 3061510 (VCV003061510.2), dbSNP rs542398772, ClinGen allele CA366702204.
Genomic context (GRCh38, chr7:5,528,417, plus strand): 5'-CAGCTCGTAGCTCTTCTCCAGGGAGGAGCTGGAAGCAGCCGTGGCCATCTCTTGCTCGAA[G>C]TCCAGGGCGACGTAGCACAGCTTCTCCTTAATGTCACGCACGATTTCCCGCTCGGCCGTG-3'
Protein context (NP_001092.1, residues 212-232): IKEKLCYVAL[Asp222Glu]FEQEMATAAS